The following is an entry in ClinVar:

NM_005751.5(AKAP9):c.3751+312T>C

Gene: AKAP9 (A-kinase anchoring protein 9; plus strand). Cytogenetic location: 7q21.2.
Variant type: single nucleotide variant.
Coding change: c.3751+312T>C on transcript NM_005751.5 (MANE Select); 312 bases into the intron after coding-DNA position 3751, T replaced by C.
Molecular consequence: intron variant.
Genome position (GRCh38, 1-based): chr7:92,016,579, T>C. VCF-style: chr7-92016579-T-C. GRCh37 (hg19) VCF-style: chr7-91645893-T-C.
Other names: c.3751+312T>C (NM_147185.3).
Identifiers: ClinVar variation 671629 (VCV000671629.1), dbSNP rs190091016, ClinGen allele CA161885577.
Genomic context (GRCh38, chr7:92,016,579, plus strand): 5'-TTTCCTTATCCTAATTCTTTTAACTTTTTATACCATAGATCCAAATTTTTAAAGTTATTG[T>C]ATTTATTGAATAAGTTCATATCAATGGTTTTTGCTTTAAAATGAGTAAGATAAACATTAA-3'

ClinVar aggregate classification (germline): Likely benign (1 of 4 stars; one submission).

Allele frequency attached by ClinVar (database versions not stated): 1000 Genomes Project 0.00779; 1000 Genomes Project 30x 0.00890; gnomAD 0.01365 and 0.01383; TOPMed 0.01502.
gnomAD v4.1: 2,059 of 152,180 alleles (1.4%); highest among the groups gnomAD compares: Admixed American, 3%; 17 homozygotes.

Submission:

GeneDx
Classification: Likely benign. Last evaluated: 2018-06-14. Review status: criteria provided, single submitter. Criteria: GeneDx Variant Classification (06012015). Collection method: clinical testing. Allele origin: germline. Affected: yes.
Comment: This variant is considered likely benign or benign based on one or more of the following criteria: it is a conservative change, it occurs at a poorly conserved position in the protein, it is predicted to be benign by multiple in silico algorithms, and/or has population frequency not consistent with disease.